The following is an entry in ClinVar:

NM_000397.4(CYBB):c.32C>T (p.Ser11Phe)

Genes: CYBB (cytochrome b-245 beta chain; plus strand), LOC130068093 (ATAC-STARR-seq lymphoblastoid active region 29519; plus strand). Cytogenetic location: Xp21.1.
Variant type: single nucleotide variant.
Coding change: c.32C>T on transcript NM_000397.4 (MANE Select); coding-DNA position 32, C replaced by T.
Protein change: p.Ser11Phe; replaces serine 11 with phenylalanine.
Molecular consequence: missense variant.
Genome position (GRCh38, 1-based): chrX:37,780,109, C>T. VCF-style: chrX-37780109-C-T. GRCh37 (hg19) VCF-style: chrX-37639362-C-T.
Other names: short protein forms S11F.
Identifiers: ClinVar variation 3016891 (VCV003016891.3), dbSNP rs1373814247, ClinGen allele CA412972012.

ClinVar aggregate classification (germline): Uncertain significance (1 of 4 stars; one submission).

Conditions:
Granulomatous disease, chronic, X-linked. Also called: GRANULOMATOUS DISEASE, CHRONIC, X-LINKED, SOMATIC MOSAIC; CYTOCHROME b-NEGATIVE GRANULOMATOUS DISEASE, CHRONIC, X-LINKED. Identifiers: Orphanet 379, MedGen C1844376, MONDO:0010600, OMIM 306400.

Allele frequency attached by ClinVar (database versions not stated): gnomAD exomes below 0.00001.
gnomAD v4.1: 3 of 1,207,109 alleles (0.00025%); highest among the groups gnomAD compares: Non-Finnish European, 0.00034%; no homozygotes.

Submission:

Labcorp Genetics (formerly Invitae), Labcorp
Classification: Uncertain significance for Granulomatous disease, chronic, X-linked. Last evaluated: 2024-03-21. Review status: criteria provided, single submitter. Criteria: Invitae Variant Classification Sherloc (09022015). Collection method: clinical testing. Allele origin: germline.
Comment: This sequence change replaces serine, which is neutral and polar, with phenylalanine, which is neutral and non-polar, at codon 11 of the CYBB protein (p.Ser11Phe). This variant is not present in population databases (gnomAD no frequency). This variant has not been reported in the literature in individuals affected with CYBB-related conditions. Advanced modeling of protein sequence and biophysical properties (such as structural, functional, and spatial information, amino acid conservation, physicochemical variation, residue mobility, and thermodynamic stability) has been performed at Invitae for this missense variant, however the output from this modeling did not meet the statistical confidence thresholds required to predict the impact of this variant on CYBB protein function. In summary, the available evidence is currently insufficient to determine the role of this variant in disease. Therefore, it has been classified as a Variant of Uncertain Significance.